The following is an entry in ClinVar:

NM_002439.5(MSH3):c.2161G>C (p.Gly721Arg)

Gene: MSH3 (mutS homolog 3; plus strand). Cytogenetic location: 5q14.1.
Variant type: single nucleotide variant.
Coding change: c.2161G>C on transcript NM_002439.5 (MANE Select); coding-DNA position 2161, G replaced by C.
Protein change: p.Gly721Arg; replaces glycine 721 with arginine.
Molecular consequence: missense variant.
Genome position (GRCh38, 1-based): chr5:80,768,911, G>C. VCF-style: chr5-80768911-G-C. GRCh37 (hg19) VCF-style: chr5-80064730-G-C.
Other names: c.2161G>C (NM_002439.3); short protein forms G721R.
Identifiers: ClinVar variation 656968 (VCV000656968.9), dbSNP rs1434492542, ClinGen allele CA360279458.

ClinVar aggregate classification (germline): Uncertain significance. Review status: criteria provided, multiple submitters, no conflicts (2 of 4 stars). 2 submissions from 2 submitters: Uncertain significance (2). Last evaluated 2026-01-04.

Conditions:
Hereditary cancer-predisposing syndrome. Also called: Hereditary neoplastic syndrome; Tumor predisposition; Neoplastic Syndromes, Hereditary; Hereditary Cancer Syndrome. Identifiers: Orphanet 140162, MedGen C0027672, MeSH D009386, MONDO:0015356.

gnomAD v4.1: 1 of 1,612,258 alleles (0.000062%); highest among the groups gnomAD compares: South Asian, 0.0011%; no homozygotes.

Submissions (2):

Labcorp Genetics (formerly Invitae), Labcorp
Classification: Uncertain significance. Last evaluated: 2026-01-04. Review status: criteria provided, single submitter. Criteria: Invitae Variant Classification Sherloc (09022015). Collection method: clinical testing. Allele origin: germline.
Comment: This sequence change replaces glycine, which is neutral and non-polar, with arginine, which is basic and polar, at codon 721 of the MSH3 protein (p.Gly721Arg). This variant is not present in population databases (gnomAD no frequency). This variant has not been reported in the literature in individuals affected with MSH3-related conditions. ClinVar contains an entry for this variant (Variation ID: 656968). An algorithm developed to predict the effect of missense changes on protein structure and function (PolyPhen-2) suggests that this variant is likely to be tolerated. In summary, the available evidence is currently insufficient to determine the role of this variant in disease. Therefore, it has been classified as a Variant of Uncertain Significance.

Ambry Genetics
Classification: Uncertain significance for Hereditary cancer-predisposing syndrome. Last evaluated: 2025-11-13. Review status: criteria provided, single submitter. Criteria: Ambry Variant Classification Scheme 2023. Collection method: clinical testing. Allele origin: germline.
Comment: The p.G721R variant (also known as c.2161G>C), located in coding exon 15 of the MSH3 gene, results from a G to C substitution at nucleotide position 2161. The glycine at codon 721 is replaced by arginine, an amino acid with dissimilar properties. This amino acid position is conserved. In addition, this alteration is predicted to be tolerated by in silico analysis. Based on the available evidence, the clinical significance of this variant remains unclear.